The following is an entry in ClinVar:

ClinVar aggregate classification (germline): Uncertain significance (1 of 4 stars; one submission).

Conditions:
Ataxia-telangiectasia syndrome (AT). Also called: LOUIS-BAR SYNDROME; Cerebello-oculocutaneous telangiectasia; Immunodeficiency with ataxia telangiectasia; Ataxia telangiectasia (A-T); Ataxia-telangiectasia, complementation group D; AT, COMPLEMENTATION GROUP C. Identifiers: Orphanet 100, MedGen C0004135, MONDO:0008840, OMIM 208900.

Submission:

Labcorp Genetics (formerly Invitae), Labcorp
Classification: Uncertain significance for Ataxia-telangiectasia syndrome. Last evaluated: 2023-07-24. Review status: criteria provided, single submitter. Criteria: Invitae Variant Classification Sherloc (09022015). Collection method: clinical testing. Allele origin: germline.
Comment: Variants that disrupt the consensus splice site are a relatively common cause of aberrant splicing (PMID: 17576681, 9536098). Algorithms developed to predict the effect of sequence changes on RNA splicing suggest that this variant may disrupt the consensus splice site. In summary, the available evidence is currently insufficient to determine the role of this variant in disease. Therefore, it has been classified as a Variant of Uncertain Significance. This variant is not present in population databases (gnomAD no frequency). This sequence change falls in intron 45 of the ATM gene. It does not directly change the encoded amino acid sequence of the ATM protein. It affects a nucleotide within the consensus splice site. This variant has not been reported in the literature in individuals affected with ATM-related conditions.

Literature cited by the submitters: PubMed 17576681; PubMed 9536098.

NM_000051.4(ATM):c.6572+2dup

Genes: ATM (ATM serine/threonine kinase; plus strand), C11orf65 (chromosome 11 open reading frame 65; minus strand). Cytogenetic location: 11q22.3.
Variant type: Duplication.
Coding change: c.6572+2dup on transcript NM_000051.4 (MANE Select); the canonical splice donor site of the intron after coding-DNA position 6572, one base duplicated (T; older notation c.6572+2dupT).
Molecular consequence: splice donor variant. On other transcripts: intron variant (2).
Genome position (GRCh38, 1-based): chr11:108,321,422, T duplicated. VCF-style (leftmost placement, unchanged base first): chr11-108321421-G-GT. GRCh37 (hg19) VCF-style: chr11-108192148-G-GT.
Other names: c.6572+2dup (NM_001351834.2); c.641-12351dup (NM_001330368.2); c.*39-12351dup (NM_001351110.2).
Identifiers: ClinVar variation 2745344 (VCV002745344.3), dbSNP rs2547165671, ClinGen allele CA2697558933.